The following is an entry in ClinVar:

NM_006129.5(BMP1):c.2305A>T (p.Ser769Cys)

Gene: BMP1 (bone morphogenetic protein 1; plus strand). Cytogenetic location: 8p21.3.
Variant type: single nucleotide variant.
Coding change: c.2305A>T on transcript NM_006129.5 (MANE Select); coding-DNA position 2305, A replaced by T.
Protein change: p.Ser769Cys; replaces serine 769 with cysteine.
Molecular consequence: missense variant. On other transcripts: non-coding transcript variant (1).
Genome position (GRCh38, 1-based): chr8:22,206,925, A>T. VCF-style: chr8-22206925-A-T. GRCh37 (hg19) VCF-style: chr8-22064438-A-T.
Other names: short protein forms S769C.
Identifiers: ClinVar variation 1700287 (VCV001700287.2), dbSNP rs1829370147, ClinGen allele CA370507893.

ClinVar aggregate classification (germline): Uncertain significance (1 of 4 stars; one submission).

Submission:

GeneDx
Classification: Uncertain significance. Last evaluated: 2022-02-04. Review status: criteria provided, single submitter. Criteria: GeneDx Variant Classification Process June 2021. Collection method: clinical testing. Allele origin: germline. Affected: yes.
Comment: Not observed at significant frequency in large population cohorts (gnomAD); In silico analysis supports that this missense variant has a deleterious effect on protein structure/function; Has not been previously published as pathogenic or benign to our knowledge